The following is an entry in ClinVar:

NM_000038.6(APC):c.3856G>A (p.Glu1286Lys)

Gene: APC (APC regulator of Wnt signaling pathway; plus strand). Cytogenetic location: 5q22.2.
Variant type: single nucleotide variant.
Coding change: c.3856G>A on transcript NM_000038.6 (MANE Select); coding-DNA position 3856, G replaced by A.
Protein change: p.Glu1286Lys; replaces glutamic acid 1286 with lysine.
Molecular consequence: missense variant.
Genome position (GRCh38, 1-based): chr5:112,839,450, G>A. VCF-style: chr5-112839450-G-A. GRCh37 (hg19) VCF-style: chr5-112175147-G-A.
Other names: c.3802G>A, p.Glu1268Lys (NM_001127511.3); c.3856G>A, p.Glu1286Lys (NM_001354895.2, NM_001407450.1, NM_001127510.3); c.3910G>A, p.Glu1304Lys (NM_001354896.2, NM_001407447.1, NM_001407448.1 and 1 more transcripts); c.3886G>A, p.Glu1296Lys (NM_001354897.2); c.3781G>A, p.Glu1261Lys (NM_001354898.2); c.3772G>A, p.Glu1258Lys (NM_001354899.2); c.3733G>A, p.Glu1245Lys (NM_001354900.2); c.3679G>A, p.Glu1227Lys (NM_001354901.2, NM_001407453.1); and 11 more; short protein forms E1003K, E1258K, E1268K, E902K, E1157K, E1227K, E1245K, E1261K.
Identifiers: ClinVar variation 1735560 (VCV001735560.2), dbSNP rs2533529597, ClinGen allele CA16029791.

ClinVar aggregate classification (germline): Uncertain significance (1 of 4 stars; one submission).

Conditions:
Hereditary cancer-predisposing syndrome. Also called: Neoplastic Syndromes, Hereditary; Tumor predisposition; Hereditary Cancer Syndrome; Hereditary neoplastic syndrome. Identifiers: Orphanet 140162, MedGen C0027672, MeSH D009386, MONDO:0015356.

Allele frequency attached by ClinVar (database versions not stated): gnomAD exomes below 0.00001.
gnomAD v4.1: 1 of 1,614,168 alleles (0.000062%); highest among the groups gnomAD compares: Non-Finnish European, 0.000085%; no homozygotes.

Submission:

Ambry Genetics
Classification: Uncertain significance for Hereditary cancer-predisposing syndrome. Last evaluated: 2022-07-28. Review status: criteria provided, single submitter. Criteria: Ambry Variant Classification Scheme 2023. Collection method: clinical testing. Allele origin: germline.
Comment: The p.E1286K variant (also known as c.3856G>A), located in coding exon 15 of the APC gene, results from a G to A substitution at nucleotide position 3856. The glutamic acid at codon 1286 is replaced by lysine, an amino acid with similar properties. This amino acid position is well conserved in available vertebrate species. In addition, in silico predictors for this gene do not accurately predict pathogenicity. Since supporting evidence is limited at this time, the clinical significance of this alteration remains unclear.